The following is an entry in ClinVar:

ClinVar aggregate classification (germline): Uncertain significance (1 of 4 stars; one submission).

Submission:

GeneDx
Classification: Uncertain significance. Last evaluated: 2023-10-15. Review status: criteria provided, single submitter. Criteria: GeneDx Variant Classification Process June 2021. Collection method: clinical testing. Allele origin: germline. Affected: yes.
Comment: Not observed at significant frequency in large population cohorts (gnomAD); In silico analysis supports that this missense variant does not alter protein structure/function; Has not been previously published as pathogenic or benign to our knowledge

NM_001347721.2(DYRK1A):c.1859G>T (p.Arg620Met)

Gene: DYRK1A (dual specificity tyrosine phosphorylation regulated kinase 1A; plus strand). Cytogenetic location: 21q22.13.
Variant type: single nucleotide variant.
Coding change: c.1859G>T on transcript NM_001347721.2 (MANE Select); coding-DNA position 1859, G replaced by T.
Protein change: p.Arg620Met; replaces arginine 620 with methionine.
Molecular consequence: missense variant. On other transcripts: 3 prime UTR variant (2).
Genome position (GRCh38, 1-based): chr21:37,512,125, G>T. VCF-style: chr21-37512125-G-T. GRCh37 (hg19) VCF-style: chr21-38884428-G-T.
Other names: c.1859G>T, p.Arg620Met (NM_001347722.2, NM_130436.2); c.1772G>T, p.Arg591Met (NM_001347723.2); c.1886G>T, p.Arg629Met (NM_001396.5); c.*262G>T (NM_101395.2); c.*171G>T (NM_130438.2); short protein forms R591M, R620M, R629M.
Identifiers: ClinVar variation 1306506 (VCV001306506.3), dbSNP rs2148662548, ClinGen allele CA409939746.
Genomic context (GRCh38, chr21:37,512,125, plus strand): 5'-ATCACCACCACCACCACCATCACCACCACCATGGACAACAAGCCTTGGGTAACCGGACCA[G>T]GCCAAGGGTCTACAATTCTCCAACGAATAGCTCCTCTACCCAAGATTCTATGGAGGTTGG-3'
Protein context (NP_001334650.1, residues 610-630): HGQQALGNRT[Arg620Met]PRVYNSPTNS